The following is an entry in ClinVar:

ClinVar aggregate classification (germline): Uncertain significance (1 of 4 stars; one submission).

Allele frequency attached by ClinVar (database versions not stated): ExAC 0.00001; gnomAD 0.00001; gnomAD exomes 0.00001.
gnomAD v4.1: 7 of 1,613,836 alleles (0.00043%); highest among the groups gnomAD compares: East Asian, 0.0089%; no homozygotes.

Submission:

GeneDx
Classification: Uncertain significance. Last evaluated: 2022-05-17. Review status: criteria provided, single submitter. Criteria: GeneDx Variant Classification Process June 2021. Collection method: clinical testing. Allele origin: germline. Affected: yes.
Comment: In silico analysis supports that this missense variant does not alter protein structure/function; Has not been previously published as pathogenic or benign to our knowledge

NM_144672.4(OTOA):c.532G>A (p.Glu178Lys)

Gene: OTOA (otoancorin). Cytogenetic location: 16p12.2.
Variant type: single nucleotide variant.
Coding change: c.532G>A on transcript NM_144672.4 (MANE Select); coding-DNA position 532, G replaced by A.
Protein change: p.Glu178Lys; replaces glutamic acid 178 with lysine.
Molecular consequence: missense variant.
Genome position (GRCh38, 1-based): chr16:21,687,545, G>A. VCF-style: chr16-21687545-G-A. GRCh37 (hg19) VCF-style: chr16-21698866-G-A.
Other names: c.295G>A, p.Glu99Lys (NM_001161683.2); short protein forms E178K, E99K.
Identifiers: ClinVar variation 1800713 (VCV001800713.1), dbSNP rs771088076, ClinGen allele CA7952328.